The following is an entry in ClinVar:

NM_007294.4(BRCA1):c.5246C>G (p.Pro1749Arg)

Gene: BRCA1 (BRCA1 DNA repair associated; minus strand). Cytogenetic location: 17q21.31.
Variant type: single nucleotide variant.
Coding change: c.5246C>G on transcript NM_007294.4 (MANE Select); coding-DNA position 5246, C replaced by G.
Protein change: p.Pro1749Arg; replaces proline 1749 with arginine.
Molecular consequence: missense variant. On other transcripts: non-coding transcript variant (1).
Genome position (GRCh38, 1-based): chr17:43,057,083, G>C on the plus strand (C>G on the coding strand, the complement: BRCA1 is on the minus strand). VCF-style: chr17-43057083-G-C. GRCh37 (hg19) VCF-style: chr17-41209100-G-C.
Other names: p.P1749R:CCA>CGA; c.5114C>G, p.Pro1705Arg (NM_001407690.1, NM_001407691.1); c.5105C>G, p.Pro1702Arg (NM_001407692.1, NM_001407694.1, NM_001407695.1 and 13 more transcripts); c.1673C>G, p.Pro558Arg (NM_001408496.1, NM_001408497.1, NM_001408498.1 and 3 more transcripts); c.5243C>G, p.Pro1748Arg (NM_001407611.1, NM_001407612.1, NM_001407613.1 and 17 more transcripts); c.5240C>G, p.Pro1747Arg (NM_001407630.1, NM_001407631.1, NM_001407632.1 and 14 more transcripts); c.5168C>G, p.Pro1723Arg (NM_001407652.1, NM_001407653.1, NM_001407654.1 and 1 more transcripts); c.5165C>G, p.Pro1722Arg (NM_001407656.1, NM_001407657.1, NM_001407658.1); and 73 more; short protein forms P1749R, P1702R, P1770R, P645R, P1636R, P1661R, P1700R, P1706R.
Identifiers: ClinVar variation 55479 (VCV000055479.6), dbSNP rs80357462, ClinGen allele CA003387.

ClinVar aggregate classification (germline): Pathogenic. Review status: criteria provided, single submitter (1 of 4 stars). 2 submissions from 2 submitters: Pathogenic (1). 1 of the submissions does not count toward it. Last evaluated 2014-01-02.

Conditions:
Breast-ovarian cancer, familial, susceptibility to, 1 (BROVCA1). Also called: BRCA1 Hereditary Breast and Ovarian Cancer; OVARIAN CANCER, SUSCEPTIBILITY TO. Identifiers: Orphanet 145, MedGen C2676676, MONDO:0011450, OMIM 604370. Disease mechanism: loss of function.

Submissions (3):

GeneDx
Classification: Pathogenic. Last evaluated: 2014-01-02. Review status: criteria provided, single submitter. Criteria: GeneDx Variant Classification (06012015). Collection method: clinical testing. Allele origin: germline. Affected: yes.
Comment: This pathogenic variant is denoted BRCA1 c.5246C>G at the cDNA level and p.Pro1749Arg (P1749R) at the protein level, and results in the change of a Proline to an Arginine (CCA>CGA). BRCA1 Pro1749Arg was observed in one patient with ovarian cancer and has been shown to disrupt the stability and proper protein folding of the BRCA1 protein (Gayther 1996, Williams 2003, Lee 2010). BRCA1 Pro1749Arg was not observed in approximately 6,500 individuals of European and African American ancestry in the NHLBI Exome Sequencing Project. This variant is a non-conservative amino acid substitution in which a neutral non-polar residue is replaced with a positive polar one, altering a position that is well conserved throughout evolution but not in a known functional domain. Based on the current evidence, we consider this variant to be pathogenic.

Breast Cancer Information Core (BIC) (BRCA1)
Classification: Uncertain significance for Breast-ovarian cancer, familial 1. Last evaluated: 1999-04-06. Review status: no assertion criteria provided. Collection method: clinical testing. Allele origin: germline. Affected: yes. Observed: 1 variant allele. Not counted in ClinVar's aggregate classification.

Brotman Baty Institute, University of Washington
No classification provided (evidence only). Condition: Breast-ovarian cancer, familial 1. Review status: no classification provided. Collection method: in vitro. Allele origin: not applicable. Functional consequence: functionally_abnormal. Not counted in ClinVar's aggregate classification.
ClinVar note: "not provided" was previously submitted as the classification for the variant. However, the classification appeared to be based only on an observation of functional data so it was converted to no classification on 2025-07-30.